The following is an entry in ClinVar:

NM_003835.4(RGS9):c.1868G>T (p.Arg623Leu)

Gene: RGS9 (regulator of G protein signaling 9; plus strand). Cytogenetic location: 17q24.1.
Variant type: single nucleotide variant.
Coding change: c.1868G>T on transcript NM_003835.4 (MANE Select); coding-DNA position 1868, G replaced by T.
Protein change: p.Arg623Leu; replaces arginine 623 with leucine.
Molecular consequence: missense variant.
Genome position (GRCh38, 1-based): chr17:65,225,462, G>T. VCF-style: chr17-65225462-G-T. GRCh37 (hg19) VCF-style: chr17-63221580-G-T.
Other names: c.1859G>T, p.Arg620Leu (NM_001081955.3); short protein forms R623L, R620L.
Identifiers: ClinVar variation 849791 (VCV000849791.8), dbSNP rs139146881, ClinGen allele CA8718166.

ClinVar aggregate classification (germline): Conflicting classifications of pathogenicity. Review status: criteria provided, conflicting classifications (1 of 4 stars). 2 submissions from 2 submitters: Uncertain significance (1); Likely benign (1). Last evaluated 2025-02-03.

Allele frequency attached by ClinVar (database versions not stated): 1000 Genomes Project 30x 0.00016; 1000 Genomes Project 0.00020; TOPMed 0.00054; ESP Exome Variant Server 0.00056.
gnomAD v4.1: 143 of 1,604,468 alleles (0.0089%); highest among the groups gnomAD compares: African/African-American, 0.17%; 1 homozygote.

Submissions (2):

Labcorp Genetics (formerly Invitae), Labcorp
Classification: Uncertain significance. Last evaluated: 2025-02-03. Review status: criteria provided, single submitter. Criteria: Invitae Variant Classification Sherloc (09022015). Collection method: clinical testing. Allele origin: germline.
Comment: This sequence change replaces arginine, which is basic and polar, with leucine, which is neutral and non-polar, at codon 623 of the RGS9 protein (p.Arg623Leu). This variant is present in population databases (rs139146881, gnomAD 0.2%). This variant has not been reported in the literature in individuals affected with RGS9-related conditions. ClinVar contains an entry for this variant (Variation ID: 849791). An algorithm developed to predict the effect of missense changes on protein structure and function (PolyPhen-2) suggests that this variant¬†is likely to be tolerated. In summary, the available evidence is currently insufficient to determine the role of this variant in disease. Therefore, it has been classified as a Variant of Uncertain Significance.

Blueprint Genetics
Classification: Likely benign. Last evaluated: 2023-09-14. Review status: criteria provided, single submitter. Criteria: ACMG Guidelines, 2015. Collection method: clinical testing. Allele origin: germline.